The following is an entry in ClinVar:

ClinVar aggregate classification (germline): Uncertain significance (1 of 4 stars; one submission).

Allele frequency attached by ClinVar (database versions not stated): TOPMed below 0.00001.
gnomAD v4.1: 2 of 1,496,574 alleles (0.00013%); highest among the groups gnomAD compares: African/African-American, 0.0028%; no homozygotes.

Submission:

GeneDx
Classification: Uncertain significance. Last evaluated: 2023-12-06. Review status: criteria provided, single submitter. Criteria: GeneDx Variant Classification Process June 2021. Collection method: clinical testing. Allele origin: germline. Affected: yes.
Comment: Not observed at significant frequency in large population cohorts (gnomAD); In silico analysis supports that this missense variant has a deleterious effect on protein structure/function; Has not been previously published as pathogenic or benign to our knowledge

NM_001142864.4(PIEZO1):c.7090A>T (p.Asn2364Tyr)

Gene: PIEZO1 (piezo type mechanosensitive ion channel component 1 (Er blood group); minus strand). Cytogenetic location: 16q24.3.
Variant type: single nucleotide variant.
Coding change: c.7090A>T on transcript NM_001142864.4 (MANE Select); coding-DNA position 7090, A replaced by T.
Protein change: p.Asn2364Tyr; replaces asparagine 2364 with tyrosine.
Molecular consequence: missense variant.
Genome position (GRCh38, 1-based): chr16:88,716,237, T>A on the plus strand (A>T on the coding strand, the complement: PIEZO1 is on the minus strand). VCF-style: chr16-88716237-T-A. GRCh37 (hg19) VCF-style: chr16-88782645-T-A.
Other names: short protein forms N2364Y.
Identifiers: ClinVar variation 3252228 (VCV003252228.1), dbSNP rs1912017095.
Genomic context (GRCh38, chr16:88,716,237, plus strand): 5'-AACCCCCACGCCCATACTCACTGGGCTGCAGCTGCTTCACAGGGTTGGCTTCGGGCCCGT[T>A]GGGGGCACGGATGTACTTGGGGAAGAGATTAGGGATGACCCTGCAGGGAGGTGCTGGCAG-3'
Protein context (NP_001136336.2, residues 2354-2374): NLFPKYIRAP[Asn2364Tyr]GPEANPVKQL